The following is an entry in ClinVar:

NM_020207.7(ERCC6L2):c.1816A>T (p.Asn606Tyr)

Gene: ERCC6L2 (ERCC excision repair 6 like 2; plus strand). Cytogenetic location: 9q22.32.
Variant type: single nucleotide variant.
Coding change: c.1816A>T on transcript NM_020207.7 (MANE Select); coding-DNA position 1816, A replaced by T.
Protein change: p.Asn606Tyr; replaces asparagine 606 with tyrosine.
Molecular consequence: missense variant. On other transcripts: non-coding transcript variant (1).
Genome position (GRCh38, 1-based): chr9:95,941,518, A>T. VCF-style: chr9-95941518-A-T. GRCh37 (hg19) VCF-style: chr9-98703800-A-T.
Other names: c.1816A>T, p.Asn606Tyr (NM_001010895.4, NM_001375291.1, NM_001375292.1 and 2 more transcripts); short protein forms N606Y.
Identifiers: ClinVar variation 2878022 (VCV002878022.4), dbSNP rs376428556, ClinGen allele CA5139695.

ClinVar aggregate classification (germline): Uncertain significance. Review status: criteria provided, multiple submitters, no conflicts (2 of 4 stars). 2 submissions from 2 submitters: Uncertain significance (2). Last evaluated 2025-06-23.

Conditions:
Inborn genetic diseases. Identifiers: MedGen C0950123, MeSH D030342.

Allele frequency attached by ClinVar (database versions not stated): gnomAD exomes below 0.00001; ExAC 0.00001; ESP Exome Variant Server 0.00008.
gnomAD v4.1: 5 of 1,613,096 alleles (0.00031%); highest among the groups gnomAD compares: Non-Finnish European, 0.00042%; no homozygotes.

Submissions (2):

Ambry Genetics
Classification: Uncertain significance for Inborn genetic diseases. Last evaluated: 2025-06-23. Review status: criteria provided, single submitter. Criteria: Ambry Variant Classification Scheme 2023. Collection method: clinical testing. Allele origin: germline.
Comment: The p.N606Y variant (also known as c.1816A>T), located in coding exon 12 of the ERCC6L2 gene, results from an A to T substitution at nucleotide position 1816. The asparagine at codon 606 is replaced by tyrosine, an amino acid with dissimilar properties. This amino acid position is conserved. In addition, this alteration is predicted to be deleterious by in silico analysis. Based on the available evidence, the clinical significance of this variant remains unclear.

Labcorp Genetics (formerly Invitae), Labcorp
Classification: Uncertain significance. Last evaluated: 2023-09-29. Review status: criteria provided, single submitter. Criteria: Invitae Variant Classification Sherloc (09022015). Collection method: clinical testing. Allele origin: germline.
Comment: In summary, the available evidence is currently insufficient to determine the role of this variant in disease. Therefore, it has been classified as a Variant of Uncertain Significance. Experimental studies and prediction algorithms are not available or were not evaluated, and the functional significance of this variant is currently unknown. This variant has not been reported in the literature in individuals affected with ERCC6L2-related conditions. This variant is present in population databases (rs376428556, gnomAD 0.004%). This sequence change replaces asparagine, which is neutral and polar, with tyrosine, which is neutral and polar, at codon 617 of the ERCC6L2 protein (p.Asn617Tyr).